The following is an entry in ClinVar:

ClinVar aggregate classification (germline): Benign. Review status: criteria provided, multiple submitters, no conflicts (2 of 4 stars). 2 submissions from 2 submitters: Benign (2). Last evaluated 2019-01-18.

Allele frequency attached by ClinVar (database versions not stated): 1000 Genomes Project 0.13199; 1000 Genomes Project 30x 0.13882; ESP Exome Variant Server 0.18230; gnomAD 0.18580 and 0.19020; TOPMed 0.19434; gnomAD exomes 0.21640 and 0.22349; ExAC 0.21824.
gnomAD v4.1: 347,563 of 1,589,440 alleles (22%); highest among the groups gnomAD compares: Admixed American, 37%; 42,225 homozygotes.

Submissions (2):

GeneDx
Classification: Benign. Last evaluated: 2019-01-18. Review status: criteria provided, single submitter. Criteria: GeneDx Variant Classification Process June 2021. Collection method: clinical testing. Allele origin: germline. Affected: yes.
Comment: This variant is associated with the following publications: (PMID: 30315176)

Breakthrough Genomics
Classification: Benign. Review status: criteria provided, single submitter. Criteria: ACMG Guidelines, 2015. Collection method: not provided. Allele origin: germline. Inheritance: Unknown mechanism. Affected: yes.

NM_005538.4(INHBC):c.965G>A (p.Arg322Gln)

Gene: INHBC (inhibin subunit beta C; plus strand). Cytogenetic location: 12q13.3.
Variant type: single nucleotide variant.
Coding change: c.965G>A on transcript NM_005538.4 (MANE Select); coding-DNA position 965, G replaced by A.
Protein change: p.Arg322Gln; replaces arginine 322 with glutamine.
Molecular consequence: missense variant.
Genome position (GRCh38, 1-based): chr12:57,449,928, G>A. VCF-style: chr12-57449928-G-A. GRCh37 (hg19) VCF-style: chr12-57843711-G-A.
Other names: short protein forms R322Q.
Identifiers: ClinVar variation 1226227 (VCV001226227.4), dbSNP rs2229357, ClinGen allele CA6648056.